The following is an entry in ClinVar:

ClinVar aggregate classification (germline): Uncertain significance (1 of 4 stars; one submission).

Conditions:
Primary dilated cardiomyopathy (DCM). Also called: Dilated Cardiomyopathy. Identifiers: Orphanet 217604, MedGen C0007193, MeSH D002311, MONDO:0005021, HP:0001644. Inheritance: Various modes of inheritance.

Submission:

Labcorp Genetics (formerly Invitae), Labcorp
Classification: Uncertain significance for Primary dilated cardiomyopathy. Last evaluated: 2022-10-18. Review status: criteria provided, single submitter. Criteria: Invitae Variant Classification Sherloc (09022015). Collection method: clinical testing. Allele origin: germline.
Comment: This variant is a gross deletion of the genomic region encompassing exon(s) 17 of the NEBL gene. This variant would be expected to be in-frame, preserving the integrity of the reading frame. This variant has not been reported in the literature in individuals affected with NEBL-related conditions. Experimental studies and prediction algorithms are not available or were not evaluated, and the functional significance of this variant is currently unknown. In summary, the available evidence is currently insufficient to determine the role of this variant in disease. Therefore, it has been classified as a Variant of Uncertain Significance.

NC_000010.11:g.(?_20828510)_(20828654_?)del

Gene: NEBL (nebulette; minus strand). Cytogenetic location: 10p12.31.
Variant type: Deletion.
Identifiers: ClinVar variation 524936 (VCV000524936.2).